The following is an entry in ClinVar:

ClinVar aggregate classification (germline): Uncertain significance (1 of 4 stars; one submission).

Submission:

GeneDx
Classification: Uncertain significance. Last evaluated: 2022-11-18. Review status: criteria provided, single submitter. Criteria: GeneDx Variant Classification Process June 2021. Collection method: clinical testing. Allele origin: germline. Affected: yes.
Comment: Not observed at significant frequency in large population cohorts (gnomAD); In silico analysis supports that this missense variant has a deleterious effect on protein structure/function; Has not been previously published as pathogenic or benign to our knowledge

NM_017780.4(CHD7):c.5250A>C (p.Gln1750His)

Gene: CHD7 (chromodomain helicase DNA binding protein 7; plus strand). Cytogenetic location: 8q12.2.
Variant type: single nucleotide variant.
Coding change: c.5250A>C on transcript NM_017780.4 (MANE Select); coding-DNA position 5250, A replaced by C.
Protein change: p.Gln1750His; replaces glutamine 1750 with histidine.
Molecular consequence: missense variant. On other transcripts: intron variant (1).
Genome position (GRCh38, 1-based): chr8:60,848,554, A>C. VCF-style: chr8-60848554-A-C. GRCh37 (hg19) VCF-style: chr8-61761113-A-C.
Other names: c.1717-13675A>C (NM_001316690.1); short protein forms Q1750H.
Identifiers: ClinVar variation 2502767 (VCV002502767.1), dbSNP rs1383005059, ClinGen allele CA371320840.